The following is an entry in ClinVar:

NM_004036.5(ADCY3):c.2098C>T (p.Arg700Trp)

Gene: ADCY3 (adenylate cyclase 3; minus strand). Cytogenetic location: 2p23.3.
Variant type: single nucleotide variant.
Coding change: c.2098C>T on transcript NM_004036.5 (MANE Select); coding-DNA position 2098, C replaced by T.
Protein change: p.Arg700Trp; replaces arginine 700 with tryptophan.
Molecular consequence: missense variant.
Genome position (GRCh38, 1-based): chr2:24,830,783, G>A on the plus strand (C>T on the coding strand, the complement: ADCY3 is on the minus strand). VCF-style: chr2-24830783-G-A. GRCh37 (hg19) VCF-style: chr2-25053652-G-A.
Other names: c.2098C>T (NM_001320613.1); c.2098C>T, p.Arg700Trp (NM_001320613.2, NM_001377129.1, NM_001377130.1 and 1 more transcripts); c.2164C>T, p.Arg722Trp (NM_001377128.1); c.1375C>T, p.Arg459Trp (NM_001377131.1); short protein forms R459W, R722W, R700W.
Identifiers: ClinVar variation 4569173 (VCV004569173.2).
Genomic context (GRCh38, chr2:24,830,783, plus strand): 5'-TTGCCATCACCAGGATGAAGATGGCGAGCATGGCCCAGGTGTTCCTGGCCCAGCGGGTCC[G>A]GTCAATCCAAGTTGAGAAGGCCACAAGCTTCTTAGGAAAGGCCTAGAAGGAACAGAATTT-3'
Protein context (NP_004027.2, residues 690-710): KLVAFSTWID[Arg700Trp]TRWARNTWAM

ClinVar aggregate classification (germline): Uncertain significance. Review status: criteria provided, multiple submitters, no conflicts (2 of 4 stars). 2 submissions from 2 submitters: Uncertain significance (2). Last evaluated 2025-10-28.

Conditions:
Inborn genetic diseases. Identifiers: MedGen C0950123, MeSH D030342.
ADCY3-related disorder. Also called: ADCY3-related condition.

gnomAD v4.1: 10 of 1,614,000 alleles (0.00062%); highest among the groups gnomAD compares: Non-Finnish European, 0.00068%; no homozygotes.

Submissions (2):

Ambry Genetics
Classification: Uncertain significance for Inborn genetic diseases. Last evaluated: 2025-10-28. Review status: criteria provided, single submitter. Criteria: Ambry Variant Classification Scheme 2023. Collection method: clinical testing. Allele origin: germline.

PreventionGenetics, part of Exact Sciences
Classification: Uncertain significance for ADCY3-related condition. Last evaluated: 2025-01-18. Review status: criteria provided, single submitter. Criteria: ACMG Guidelines, 2015. Collection method: clinical testing. Allele origin: germline.
Comment: The ADCY3 c.2098C>T variant is predicted to result in the amino acid substitution p.Arg700Trp. To our knowledge, this variant has not been reported in the literature. This variant is reported in 0.0099% of alleles in individuals of Ashkenazi Jewish descent in gnomAD. At this time, the clinical significance of this variant is uncertain due to the absence of conclusive functional and genetic evidence.